The following is an entry in ClinVar:

NM_001103.4(ACTN2):c.800A>G (p.Asn267Ser)

Gene: ACTN2 (actinin alpha 2; plus strand). Cytogenetic location: 1q43.
Variant type: single nucleotide variant.
Coding change: c.800A>G on transcript NM_001103.4 (MANE Select); coding-DNA position 800, A replaced by G.
Protein change: p.Asn267Ser; replaces asparagine 267 with serine.
Molecular consequence: missense variant. On other transcripts: non-coding transcript variant (1).
Genome position (GRCh38, 1-based): chr1:236,737,138, A>G. VCF-style: chr1-236737138-A-G. GRCh37 (hg19) VCF-style: chr1-236900438-A-G.
Other names: c.800A>G, p.Asn267Ser (NM_001278343.2); c.176A>G, p.Asn59Ser (NM_001278344.2); c.50A>G, p.Asn17Ser (NM_001412150.1); short protein forms N267S, N59S, N17S.
Identifiers: ClinVar variation 2921452 (VCV002921452.3), dbSNP rs2527591874, ClinGen allele CA345378808.
Genomic context (GRCh38, chr1:236,737,138, plus strand): 5'-TTCCCGTCGACAGAGCCGTCCTGTTTACCTATTGTGTTTTACAGGCCGAGACAGCGGCTA[A>G]CAGGATATGTAAGGTTCTTGCTGTGAATCAAGAGAATGAGAGGCTGATGGAAGAATATGA-3'
Protein context (NP_001094.1, residues 257-277): AGAEQAETAA[Asn267Ser]RICKVLAVNQ

ClinVar aggregate classification (germline): Uncertain significance (1 of 4 stars; one submission).

Conditions:
Dilated cardiomyopathy 1AA (CMD1AA). Also called: Cardiomyopathy, dilated, 1AA, with or without LVNC; CARDIOMYOPATHY, DILATED, 1AA, WITH OR WITHOUT LEFT VENTRICULAR NONCOMPACTION; CARDIOMYOPATHY, FAMILIAL HYPERTROPHIC, 23, WITH OR WITHOUT LEFT VENTRICULAR NONCOMPACTION. Identifiers: Orphanet 154, MedGen C2677338, MONDO:0012808, OMIM 612158.
Primary familial hypertrophic cardiomyopathy (HCM). Identifiers: Orphanet 99739, MedGen C0949658, MeSH D024741, MONDO:0024573. Inheritance: Various modes of inheritance.

Submission:

Labcorp Genetics (formerly Invitae), Labcorp
Classification: Uncertain significance for Primary familial hypertrophic cardiomyopathy; Dilated cardiomyopathy 1AA. Last evaluated: 2023-12-15. Review status: criteria provided, single submitter. Criteria: Invitae Variant Classification Sherloc (09022015). Collection method: clinical testing. Allele origin: germline.
Comment: This sequence change replaces asparagine, which is neutral and polar, with serine, which is neutral and polar, at codon 267 of the ACTN2 protein (p.Asn267Ser). This variant is not present in population databases (gnomAD no frequency). This variant has not been reported in the literature in individuals affected with ACTN2-related conditions. Advanced modeling of protein sequence and biophysical properties (such as structural, functional, and spatial information, amino acid conservation, physicochemical variation, residue mobility, and thermodynamic stability) performed at Invitae indicates that this missense variant is not expected to disrupt ACTN2 protein function with a negative predictive value of 95%. In summary, the available evidence is currently insufficient to determine the role of this variant in disease. Therefore, it has been classified as a Variant of Uncertain Significance.